The following is an entry in ClinVar:

NM_013372.7(GREM1):c.257G>T (p.Arg86Leu)

Gene: GREM1 (gremlin 1, DAN family BMP antagonist; plus strand). Cytogenetic location: 15q13.3.
Variant type: single nucleotide variant.
Coding change: c.257G>T on transcript NM_013372.7 (MANE Select); coding-DNA position 257, G replaced by T.
Protein change: p.Arg86Leu; replaces arginine 86 with leucine.
Molecular consequence: missense variant.
Genome position (GRCh38, 1-based): chr15:32,730,947, G>T. VCF-style: chr15-32730947-G-T. GRCh37 (hg19) VCF-style: chr15-33023148-G-T.
Other names: c.47G>T, p.Arg16Leu (NM_001191322.2); c.134G>T, p.Arg45Leu (NM_001191323.2); c.257G>T, p.Arg86Leu (NM_001368719.1); short protein forms R45L, R86L, R16L.
Identifiers: ClinVar variation 3855660 (VCV003855660.1).

ClinVar aggregate classification (germline): Uncertain significance (1 of 4 stars; one submission).

Conditions:
Hereditary cancer-predisposing syndrome. Also called: Hereditary neoplastic syndrome; Neoplastic Syndromes, Hereditary; Tumor predisposition; Hereditary Cancer Syndrome. Identifiers: Orphanet 140162, MedGen C0027672, MeSH D009386, MONDO:0015356.

gnomAD v4.1: 1 of 1,614,100 alleles (0.000062%); highest among the groups gnomAD compares: Non-Finnish European, 0.000085%; no homozygotes.

Submission:

Ambry Genetics
Classification: Uncertain significance for Hereditary cancer-predisposing syndrome. Last evaluated: 2024-12-15. Review status: criteria provided, single submitter. Criteria: Ambry Variant Classification Scheme 2023. Collection method: clinical testing. Allele origin: germline.
Comment: The p.R86L variant (also known as c.257G>T), located in coding exon 1 of the GREM1 gene, results from a G to T substitution at nucleotide position 257. The arginine at codon 86 is replaced by leucine, an amino acid with dissimilar properties. This amino acid position is conserved. In addition, the in silico prediction for this alteration is inconclusive. Based on the available evidence, the clinical significance of this variant remains unclear.